The following is an entry in ClinVar:

NM_000548.5(TSC2):c.1839+3A>T

Gene: TSC2 (TSC complex subunit 2; plus strand). Cytogenetic location: 16p13.3.
Variant type: single nucleotide variant.
Coding change: c.1839+3A>T on transcript NM_000548.5 (MANE Select); 3 bases into the intron after coding-DNA position 1839, A replaced by T.
Molecular consequence: intron variant.
Genome position (GRCh38, 1-based): chr16:2,070,581, A>T. VCF-style: chr16-2070581-A-T. GRCh37 (hg19) VCF-style: chr16-2120582-A-T.
Other names: c.1839+3A>T (NM_001114382.3, NM_021055.3, NM_001370405.1 and 3 more transcripts); c.1728+3A>T (NM_001318827.2); c.1239+3A>T (NM_001318831.2); c.1692+3A>T (NM_001318829.2); c.1872+3A>T (NM_001318832.2).
Identifiers: ClinVar variation 950589 (VCV000950589.9), dbSNP rs1596336981, ClinGen allele CA1139664304.

ClinVar aggregate classification (germline): Uncertain significance. Review status: criteria provided, multiple submitters, no conflicts (2 of 4 stars). 2 submissions from 2 submitters: Uncertain significance (2). Last evaluated 2023-04-14.

Conditions:
Hereditary cancer-predisposing syndrome. Also called: Hereditary neoplastic syndrome; Tumor predisposition; Neoplastic Syndromes, Hereditary; Hereditary Cancer Syndrome. Identifiers: Orphanet 140162, MedGen C0027672, MeSH D009386, MONDO:0015356.
Tuberous sclerosis 2 (TSC2). Identifiers: Orphanet 805, MedGen C1860707, MONDO:0013199, OMIM 613254.

Submissions (2):

Ambry Genetics
Classification: Uncertain significance for Hereditary cancer-predisposing syndrome. Last evaluated: 2023-04-14. Review status: criteria provided, single submitter. Criteria: Ambry Variant Classification Scheme 2023. Collection method: clinical testing. Allele origin: germline.
Comment: The c.1839+3A>T intronic variant results from an A to T substitution 3 nucleotides after coding exon 16 in the TSC2 gene. This nucleotide position is not well conserved in available vertebrate species. In silico splice site analysis for this alteration is inconclusive. Since supporting evidence is limited at this time, the clinical significance of this alteration remains unclear.

Labcorp Genetics (formerly Invitae), Labcorp
Classification: Uncertain significance for Tuberous sclerosis 2. Last evaluated: 2019-05-21. Review status: criteria provided, single submitter. Criteria: Invitae Variant Classification Sherloc (09022015). Collection method: clinical testing. Allele origin: germline.
Comment: This sequence change falls in intron 17 of the TSC2 gene. It does not directly change the encoded amino acid sequence of the TSC2 protein, but it affects a nucleotide within the consensus splice site of the intron. This variant is not present in population databases (ExAC no frequency). This variant has not been reported in the literature in individuals with TSC2-related conditions. Nucleotide substitutions within the consensus splice site are a relatively common cause of aberrant splicing (PMID: 17576681, 9536098). Algorithms developed to predict the effect of sequence changes on RNA splicing suggest that this variant may disrupt the consensus splice site, but this prediction has not been confirmed by published transcriptional studies. In summary, the available evidence is currently insufficient to determine the role of this variant in disease. Therefore, it has been classified as a Variant of Uncertain Significance.

Literature cited by the submitters: PubMed 17576681 (cited by Labcorp Genetics (formerly Invitae), Labcorp); PubMed 9536098 (cited by Labcorp Genetics (formerly Invitae), Labcorp).